The following is an entry in ClinVar:

ClinVar aggregate classification (germline): Likely benign. Review status: criteria provided, multiple submitters, no conflicts (2 of 4 stars). 2 submissions from 2 submitters: Likely benign (2). Last evaluated 2025-12-16.

Conditions:
Hajdu-Cheney syndrome (HJCYS). Also called: Acroosteolysis dominant type; ACROOSTEOLYSIS WITH OSTEOPOROSIS AND CHANGES IN SKULL AND MANDIBLE; SERPENTINE FIBULA-POLYCYSTIC KIDNEY SYNDROME. Identifiers: Orphanet 955, MedGen C0917715, MONDO:0007057, OMIM 102500.
NOTCH2-related disorder. Also called: NOTCH2-related condition.

Allele frequency attached by ClinVar (database versions not stated): gnomAD exomes 0.00001; TOPMed 0.00002; ESP Exome Variant Server 0.00008.
gnomAD v4.1: 20 of 1,612,748 alleles (0.0012%); highest among the groups gnomAD compares: East Asian, 0.029%; no homozygotes.

Submissions (2):

PreventionGenetics, part of Exact Sciences
Classification: Likely benign for NOTCH2-related condition. Last evaluated: 2025-12-16. Review status: criteria provided, single submitter. Criteria: ACMG Guidelines, 2015. Collection method: clinical testing. Allele origin: germline.
Comment: This variant is classified as likely benign based on ACMG/AMP sequence variant interpretation guidelines (Richards et al. 2015 PMID: 25741868, with internal and published modifications).

Labcorp Genetics (formerly Invitae), Labcorp
Classification: Likely benign for Hajdu-Cheney syndrome. Last evaluated: 2025-06-12. Review status: criteria provided, single submitter. Criteria: Invitae Variant Classification Sherloc (09022015). Collection method: clinical testing. Allele origin: germline.

NM_024408.4(NOTCH2):c.1557G>A (p.Leu519=)

Gene: NOTCH2 (notch receptor 2; minus strand). Cytogenetic location: 1p12.
Variant type: single nucleotide variant.
Coding change: c.1557G>A on transcript NM_024408.4 (MANE Select); coding-DNA position 1557, G replaced by A.
Protein change: p.Leu519=; no amino-acid change (leucine 519 retained).
Molecular consequence: synonymous variant.
Genome position (GRCh38, 1-based): chr1:119,966,386, C>T on the plus strand (G>A on the coding strand, the complement: NOTCH2 is on the minus strand). VCF-style: chr1-119966386-C-T. GRCh37 (hg19) VCF-style: chr1-120509009-C-T.
Other names: c.1557G>A (NM_024408.3); c.1557G>A, p.Leu519= (NM_001200001.2).
Identifiers: ClinVar variation 2727403 (VCV002727403.4), dbSNP rs141161410, ClinGen allele CA1040526.